The following is an entry in ClinVar:

ClinVar aggregate classification (germline): Uncertain significance (1 of 4 stars; one submission).

gnomAD v4.1: 1 of 1,613,302 alleles (0.000062%); highest among the groups gnomAD compares: African/African-American, 0.0013%; no homozygotes.

Submission:

GeneDx
Classification: Uncertain significance. Last evaluated: 2025-07-02. Review status: criteria provided, single submitter. Criteria: GeneDx Variant Classification Process June 2021. Collection method: clinical testing. Allele origin: germline.
Comment: Has not been previously published as pathogenic or benign to our knowledge; Not observed at significant frequency in large population cohorts (gnomAD); Missense variant in a gene in which most reported pathogenic variants are truncating/loss of function

NM_001267550.2(TTN):c.58315C>G (p.Pro19439Ala)

Genes: TTN (titin; minus strand), TTN-AS1 (TTN antisense RNA 1; plus strand). Cytogenetic location: 2q31.2.
Variant type: single nucleotide variant.
Coding change: c.58315C>G on transcript NM_001267550.2 (MANE Select); coding-DNA position 58315, C replaced by G.
Protein change: p.Pro19439Ala; replaces proline 19439 with alanine.
Molecular consequence: missense variant.
Genome position (GRCh38, 1-based): chr2:178,594,078, G>C on the plus strand (C>G on the coding strand, the complement: TTN is on the minus strand). VCF-style: chr2-178594078-G-C. GRCh37 (hg19) VCF-style: chr2-179458805-G-C.
Other names: c.53392C>G, p.Pro17798Ala (NM_001256850.1); c.31120C>G, p.Pro10374Ala (NM_003319.4); c.50611C>G, p.Pro16871Ala (NM_133378.4); c.31495C>G, p.Pro10499Ala (NM_133432.3); c.31696C>G, p.Pro10566Ala (NM_133437.4); short protein forms P10374A, P10499A, P10566A, P16871A, P17798A, P19439A.
Identifiers: ClinVar variation 1800991 (VCV001800991.2), dbSNP rs368847168, ClinGen allele CA1992886.